The following is an entry in ClinVar:

ClinVar aggregate classification (germline): Benign/Likely benign. Review status: criteria provided, multiple submitters, no conflicts (2 of 4 stars). 3 submissions from 3 submitters: Benign (1); Likely benign (2). Last evaluated 2026-04-24.

Conditions:
IMPG2-related disorder. Also called: IMPG2-related condition.

Allele frequency attached by ClinVar (database versions not stated): gnomAD exomes 0.00013 and 0.00028; ExAC 0.00024; 1000 Genomes Project 30x 0.00031; ESP Exome Variant Server 0.00031; 1000 Genomes Project 0.00040; gnomAD 0.00042 and 0.00044; TOPMed 0.00065.
gnomAD v4.1: 292 of 1,613,266 alleles (0.018%); highest among the groups gnomAD compares: Middle Eastern, 0.17%; 1 homozygote.

Submissions (3):

PreventionGenetics, part of Exact Sciences
Classification: Likely benign for IMPG2-related condition. Last evaluated: 2026-04-24. Review status: criteria provided, single submitter. Criteria: ACMG Guidelines, 2015. Collection method: clinical testing. Allele origin: germline.
Comment: This variant is classified as likely benign based on ACMG/AMP sequence variant interpretation guidelines (Richards et al. 2015 PMID: 25741868, with internal and published modifications).

Labcorp Genetics (formerly Invitae), Labcorp
Classification: Benign. Last evaluated: 2026-02-01. Review status: criteria provided, single submitter. Criteria: Invitae Variant Classification Sherloc (09022015). Collection method: clinical testing. Allele origin: germline.

Blueprint Genetics
Classification: Likely benign. Last evaluated: 2024-10-24. Review status: criteria provided, single submitter. Criteria: ACMG Guidelines, 2015. Collection method: clinical testing. Allele origin: germline.

NM_016247.4(IMPG2):c.1140G>A (p.Leu380=)

Gene: IMPG2 (interphotoreceptor matrix proteoglycan 2; minus strand). Cytogenetic location: 3q12.3.
Variant type: single nucleotide variant.
Coding change: c.1140G>A on transcript NM_016247.4 (MANE Select); coding-DNA position 1140, G replaced by A.
Protein change: p.Leu380=; no amino-acid change (leucine 380 retained).
Molecular consequence: synonymous variant.
Genome position (GRCh38, 1-based): chr3:101,257,542, C>T on the plus strand (G>A on the coding strand, the complement: IMPG2 is on the minus strand). VCF-style: chr3-101257542-C-T. GRCh37 (hg19) VCF-style: chr3-100976386-C-T.
Identifiers: ClinVar variation 726607 (VCV000726607.12), dbSNP rs192551069, ClinGen allele CA2519278.